The following is an entry in ClinVar:

ClinVar aggregate classification (germline): Conflicting classifications of pathogenicity. Review status: criteria provided, conflicting classifications (1 of 4 stars). 4 submissions from 4 submitters: Uncertain significance (1); Benign (1); Likely benign (2). Last evaluated 2025-12-15.

Conditions:
CNGB1-related disorder. Also called: CNGB1-related condition.
Retinitis pigmentosa (RP). Identifiers: Orphanet 791, MedGen C0035334, MeSH D012174, MONDO:0019200, OMIM 268000. Inheritance: Autosomal dominant, autosomal recessive and X linked inheritance.

Allele frequency attached by ClinVar (database versions not stated): ExAC 0.00020; 1000 Genomes Project 30x 0.00031; 1000 Genomes Project 0.00040; gnomAD 0.00046 and 0.00052; TOPMed 0.00060; ESP Exome Variant Server 0.00064.
gnomAD v4.1: 144 of 1,614,038 alleles (0.0089%); highest among the groups gnomAD compares: African/African-American, 0.17%; no homozygotes.

Submissions (4):

Labcorp Genetics (formerly Invitae), Labcorp
Classification: Benign. Last evaluated: 2025-12-15. Review status: criteria provided, single submitter. Criteria: Invitae Variant Classification Sherloc (09022015). Collection method: clinical testing. Allele origin: germline.

PreventionGenetics, part of Exact Sciences
Classification: Likely benign for CNGB1-related condition. Last evaluated: 2025-10-31. Review status: criteria provided, single submitter. Criteria: ACMG Guidelines, 2015. Collection method: clinical testing. Allele origin: germline.
Comment: This variant is classified as likely benign based on ACMG/AMP sequence variant interpretation guidelines (Richards et al. 2015 PMID: 25741868, with internal and published modifications).

Blueprint Genetics
Classification: Likely benign. Last evaluated: 2024-05-29. Review status: criteria provided, single submitter. Criteria: ACMG Guidelines, 2015. Collection method: clinical testing. Allele origin: germline.

Illumina Laboratory Services, Illumina
Classification: Uncertain significance for Retinitis pigmentosa. Last evaluated: 2018-01-12. Review status: criteria provided, single submitter. Criteria: ICSL Variant Classification Criteria 13 December 2019. Collection method: clinical testing. Allele origin: germline.

NM_001297.5(CNGB1):c.3717G>T (p.Ser1239=)

Gene: CNGB1 (cyclic nucleotide gated channel subunit beta 1; minus strand). Cytogenetic location: 16q21.
Variant type: single nucleotide variant.
Coding change: c.3717G>T on transcript NM_001297.5 (MANE Select); coding-DNA position 3717, G replaced by T.
Protein change: p.Ser1239=; no amino-acid change (serine 1239 retained).
Molecular consequence: synonymous variant.
Genome position (GRCh38, 1-based): chr16:57,884,203, C>A on the plus strand (G>T on the coding strand, the complement: CNGB1 is on the minus strand). VCF-style: chr16-57884203-C-A. GRCh37 (hg19) VCF-style: chr16-57918107-C-A.
Other names: c.3699G>T, p.Ser1233= (NM_001286130.2).
Identifiers: ClinVar variation 320054 (VCV000320054.15), dbSNP rs202083169, ClinGen allele CA8082466.